The following is an entry in ClinVar:

ClinVar aggregate classification (germline): Uncertain significance (1 of 4 stars; one submission).

Allele frequency attached by ClinVar (database versions not stated): gnomAD 0.00001; TOPMed 0.00001.
gnomAD v4.1: 11 of 1,613,994 alleles (0.00068%); highest among the groups gnomAD compares: Admixed American, 0.0017%; no homozygotes.

Submission:

Labcorp Genetics (formerly Invitae), Labcorp
Classification: Uncertain significance. Last evaluated: 2023-04-14. Review status: criteria provided, single submitter. Criteria: Invitae Variant Classification Sherloc (09022015). Collection method: clinical testing. Allele origin: germline.
Comment: Variants that disrupt the consensus splice site are a relatively common cause of aberrant splicing (PMID: 17576681, 9536098). Algorithms developed to predict the effect of sequence changes on RNA splicing suggest that this variant may disrupt the consensus splice site. This sequence change falls in intron 8 of the IMPDH1 gene. It does not directly change the encoded amino acid sequence of the IMPDH1 protein. It affects a nucleotide within the consensus splice site. This variant is present in population databases (no rsID available, gnomAD no frequency). This variant has not been reported in the literature in individuals affected with IMPDH1-related conditions. In summary, the available evidence is currently insufficient to determine the role of this variant in disease. Therefore, it has been classified as a Variant of Uncertain Significance.

Literature cited by the submitters: PubMed 17576681; PubMed 9536098.

NM_000883.4(IMPDH1):c.787-3C>G

Gene: IMPDH1 (inosine monophosphate dehydrogenase 1; minus strand). Cytogenetic location: 7q32.1.
Variant type: single nucleotide variant.
Coding change: c.787-3C>G on transcript NM_000883.4 (MANE Select); 3 bases into the intron before coding-DNA position 787, C replaced by G.
Molecular consequence: intron variant.
Genome position (GRCh38, 1-based): chr7:128,400,185, G>C on the plus strand (C>G on the coding strand, the complement: IMPDH1 is on the minus strand). VCF-style: chr7-128400185-G-C. GRCh37 (hg19) VCF-style: chr7-128040239-G-C.
Other names: c.580-3C>G (NM_001304521.2); c.679-3C>G (NM_183243.3); c.757-3C>G (NM_001102605.2); c.688-3C>G (NM_001142576.2); c.457-3C>G (NM_001142575.2); c.517-3C>G (NM_001142574.2); c.532-3C>G (NM_001142573.2).
Identifiers: ClinVar variation 2911770 (VCV002911770.3), dbSNP rs1181893051, ClinGen allele CA578149219.